The following is an entry in ClinVar:

ClinVar aggregate classification (germline): Uncertain significance (1 of 4 stars; one submission).

Conditions:
Hereditary cancer-predisposing syndrome. Also called: Neoplastic Syndromes, Hereditary; Tumor predisposition; Hereditary Cancer Syndrome; Hereditary neoplastic syndrome. Identifiers: Orphanet 140162, MedGen C0027672, MeSH D009386, MONDO:0015356.

Submission:

Ambry Genetics
Classification: Uncertain significance for Hereditary cancer-predisposing syndrome. Last evaluated: 2025-11-04. Review status: criteria provided, single submitter. Criteria: Ambry Variant Classification Scheme 2023. Collection method: clinical testing. Allele origin: germline.
Comment: The p.R221S variant (also known as c.663G>T), located in coding exon 4 of the FLCN gene, results from a G to T substitution at nucleotide position 663. The arginine at codon 221 is replaced by serine, an amino acid with dissimilar properties. This amino acid position is conserved. In addition, this alteration is predicted to be deleterious by in silico analysis. Based on the available evidence, the clinical significance of this variant remains unclear.

NM_144997.7(FLCN):c.663G>T (p.Arg221Ser)

Gene: FLCN (folliculin; minus strand). Cytogenetic location: 17p11.2.
Variant type: single nucleotide variant.
Coding change: c.663G>T on transcript NM_144997.7 (MANE Select); coding-DNA position 663, G replaced by T.
Protein change: p.Arg221Ser; replaces arginine 221 with serine.
Molecular consequence: missense variant.
Genome position (GRCh38, 1-based): chr17:17,222,617, C>A on the plus strand (G>T on the coding strand, the complement: FLCN is on the minus strand). VCF-style: chr17-17222617-C-A. GRCh37 (hg19) VCF-style: chr17-17125931-C-A.
Other names: c.663G>T, p.Arg221Ser (NM_001353230.2, NM_001353231.2, NM_144606.7); c.717G>T, p.Arg239Ser (NM_001353229.2); short protein forms R239S, R221S.
Identifiers: ClinVar variation 4643113 (VCV004643113.1).
Genomic context (GRCh38, chr17:17,222,617, plus strand): 5'-CAGCGAGCGGGCGGCGTTGCCGTTCCTCTGGTGTAGGAATGGCGTGAAGGCTGTGTTCAT[C>A]CTCTGAGCACGCTGTGGGCATCCAAACTGCTCTGCCTCAAACACCTGAAATGCAAAGGGA-3'
Protein context (NP_659434.2, residues 211-231): EQFGCPQRAQ[Arg221Ser]MNTAFTPFLH